The following is an entry in ClinVar:

ClinVar aggregate classification (germline): Benign (1 of 4 stars; one submission).

Allele frequency attached by ClinVar (database versions not stated): gnomAD 0.35295 and 0.36009; TOPMed 0.37221; 1000 Genomes Project 0.39417; 1000 Genomes Project 30x 0.39975.
gnomAD v4.1: 53,362 of 151,922 alleles (35%); highest among the groups gnomAD compares: African/African-American, 71%; 13,158 homozygotes.

Submission:

GeneDx
Classification: Benign. Last evaluated: 2018-06-18. Review status: criteria provided, single submitter. Criteria: GeneDx Variant Classification (06012015). Collection method: clinical testing. Allele origin: germline. Affected: yes.
Comment: This variant is considered likely benign or benign based on one or more of the following criteria: it is a conservative change, it occurs at a poorly conserved position in the protein, it is predicted to be benign by multiple in silico algorithms, and/or has population frequency not consistent with disease.

NM_001376.5(DYNC1H1):c.2869-248A>G

Gene: DYNC1H1 (dynein cytoplasmic 1 heavy chain 1; plus strand). Cytogenetic location: 14q32.31.
Variant type: single nucleotide variant.
Coding change: c.2869-248A>G on transcript NM_001376.5 (MANE Select); 248 bases into the intron before coding-DNA position 2869, A replaced by G.
Molecular consequence: intron variant.
Genome position (GRCh38, 1-based): chr14:101,991,279, A>G. VCF-style: chr14-101991279-A-G. GRCh37 (hg19) VCF-style: chr14-102457616-A-G.
Identifiers: ClinVar variation 679341 (VCV000679341.1), dbSNP rs2749891, ClinGen allele CA13950795.
Genomic context (GRCh38, chr14:101,991,279, plus strand): 5'-ATCCCAGCACTTTGGGAGGCTGAAGCGGGTGGATCACCTGAGGTCAGGAGTTTGAGACCA[A>G]CCTGACCAACATGCTGAAACCCGTCTCTACTAAAAATATATAATTAGCTGGGCTTGCTGG-3'